The following is an entry in ClinVar:

NM_017934.7(PHIP):c.4585A>C (p.Thr1529Pro)

Genes: IRAK1BP1 (interleukin 1 receptor associated kinase 1 binding protein 1; plus strand), PHIP (PHIP subunit of CUL4-Ring ligase complex; minus strand). Cytogenetic location: 6q14.1.
Variant type: single nucleotide variant.
Coding change: c.4585A>C on transcript NM_017934.7 (MANE Select); coding-DNA position 4585, A replaced by C.
Protein change: p.Thr1529Pro; replaces threonine 1529 with proline.
Molecular consequence: missense variant.
Genome position (GRCh38, 1-based): chr6:78,946,046, T>G on the plus strand (A>C on the coding strand, the complement: PHIP is on the minus strand). VCF-style: chr6-78946046-T-G. GRCh37 (hg19) VCF-style: chr6-79655763-T-G.
Other names: c.4585A>C (NM_017934.6, NM_017934.5); short protein forms T1529P.
Identifiers: ClinVar variation 2185868 (VCV002185868.7), dbSNP rs61022448, ClinGen allele CA3899423.
Genomic context (GRCh38, chr6:78,946,046, plus strand): 5'-GAAAGTGAGTCTTACTTGTTTTCCCTGGTATTGCAGATGCATTAGCTTTTGTAATAAAAG[T>G]CTTTGCAGCTGAAGAAGTAGATGGTTGCTCAGTGACAACTGGATCTACAACCACTCGGTT-3'
Protein context (NP_060404.4, residues 1519-1539): EQPSTSSAAK[Thr1529Pro]FITKANASAI

ClinVar aggregate classification (germline): Likely benign. Review status: criteria provided, multiple submitters, no conflicts (2 of 4 stars). 3 submissions from 3 submitters: Likely benign (2). 1 of the submissions does not count toward it. Last evaluated 2025-12-22.

Conditions:
Inborn genetic diseases. Identifiers: MedGen C0950123, MeSH D030342.
PHIP-related disorder. Also called: PHIP-related condition; PHIP-related disorders.

Allele frequency attached by ClinVar (database versions not stated): ExAC 0.00010; gnomAD 0.00035; TOPMed 0.00038; 1000 Genomes Project 0.00040; 1000 Genomes Project 30x 0.00047; ESP Exome Variant Server 0.00069.
gnomAD v4.1: 93 of 1,612,058 alleles (0.0058%); highest among the groups gnomAD compares: African/African-American, 0.12%; no homozygotes.

Submissions (3):

Labcorp Genetics (formerly Invitae), Labcorp
Classification: Likely benign. Last evaluated: 2025-12-22. Review status: criteria provided, single submitter. Criteria: Invitae Variant Classification Sherloc (09022015). Collection method: clinical testing. Allele origin: germline.

Ambry Genetics
Classification: Likely benign for Inborn genetic diseases. Last evaluated: 2025-12-16. Review status: criteria provided, single submitter. Criteria: Ambry Variant Classification Scheme 2023. Collection method: clinical testing. Allele origin: germline.

PreventionGenetics, part of Exact Sciences
Classification: Likely benign for PHIP-related condition. Last evaluated: 2022-12-14. Review status: no assertion criteria provided. Collection method: clinical testing. Allele origin: germline. Not counted in ClinVar's aggregate classification.
Comment: This variant is classified as likely benign based on ACMG/AMP sequence variant interpretation guidelines (Richards et al. 2015 PMID: 25741868, with internal and published modifications).